The following is an entry in ClinVar:

NM_006147.4(IRF6):c.757T>G (p.Tyr253Asp)

Gene: IRF6 (interferon regulatory factor 6; minus strand). Cytogenetic location: 1q32.2.
Variant type: single nucleotide variant.
Coding change: c.757T>G on transcript NM_006147.4 (MANE Select); coding-DNA position 757, T replaced by G.
Protein change: p.Tyr253Asp; replaces tyrosine 253 with aspartic acid.
Molecular consequence: missense variant.
Genome position (GRCh38, 1-based): chr1:209,790,798, A>C on the plus strand (T>G on the coding strand, the complement: IRF6 is on the minus strand). VCF-style: chr1-209790798-A-C. GRCh37 (hg19) VCF-style: chr1-209964143-A-C.
Other names: c.472T>G, p.Tyr158Asp (NM_001206696.2); short protein forms Y158D, Y253D.
Identifiers: ClinVar variation 5019479 (VCV005019479.2).
Genomic context (GRCh38, chr1:209,790,798, plus strand): 5'-GCTCCAGGCTGACGGGACCAAAGAGCTCCTCCTGGTCAGGCATGGGACCCAGGTCCCCAT[A>C]GAAGAGTCGGCAGCCCTGAGGGTTGCTCACGGTCATGGTCTGCCCGTACTCCTTCCCACG-3'
Protein context (NP_006138.1, residues 243-263): VSNPQGCRLF[Tyr253Asp]GDLGPMPDQE

ClinVar aggregate classification (germline): Uncertain significance (1 of 4 stars; one submission).

Conditions:
Van der Woude syndrome 1. Also called: van der Woude Syndrome (VWS); CLEFT LIP AND/OR PALATE WITH MUCOUS CYSTS OF LOWER LIP. Identifiers: MedGen C4551864, MONDO:0007333, OMIM 119300.
Autosomal dominant popliteal pterygium syndrome. Also called: Popliteal Pterygium Syndrome (PPS); CLEFT LIP/PALATE, PARAMEDIAN MUCOUS CYSTS OF THE LOWER LIP, POPLITEAL PTERYGIUM, DIGITAL AND GENITAL ANOMALIES; FACIOGENITOPOPLITEAL SYNDROME. Identifiers: Orphanet 1300, MedGen C5848052, MONDO:0007334, OMIM 119500.
Orofacial cleft 6, susceptibility to (OFC6). Also called: CLEFT LIP WITH OR WITHOUT CLEFT PALATE, NONSYNDROMIC, 6. Identifiers: MedGen C1837213, MONDO:0012141, OMIM 608864.

Submission:

Juno Genomics, Hangzhou Juno Genomics, Inc
Classification: Uncertain significance for Van der Woude syndrome 1; Orofacial cleft 6, susceptibility to; Autosomal dominant popliteal pterygium syndrome. Review status: criteria provided, single submitter. Criteria: ACMG Guidelines, 2015. Collection method: clinical testing. Allele origin: germline.
Comment: Absent from controls (or at extremely low frequency if recessive) in Genome Aggregation Database.;Missense variant in a gene that has a low rate of benign missense variation.;Multiple lines of computational evidence support a deleterious effect on the gene or gene product.